The following is an entry in ClinVar:

ClinVar aggregate classification (germline): Conflicting classifications of pathogenicity. Review status: criteria provided, conflicting classifications (1 of 4 stars). 6 submissions from 6 submitters: Uncertain significance (1); Likely benign (3). 2 of the submissions do not count toward it. Last evaluated 2025-07-28.

Conditions:
Lowe syndrome (OCRL). Also called: Oculocerebrorenal Syndrome; LOWE OCULOCEREBRORENAL SYNDROME; PHOSPHATIDYLINOSITOL 4,5-BISPHOSPHATE 5-PHOSPHATASE DEFICIENCY. Identifiers: Orphanet 534, MedGen C0028860, MONDO:0010645, OMIM 309000.
Dent disease type 2. Identifiers: Orphanet 1652, Orphanet 93623, MedGen C1845167, MONDO:0010359, OMIM 300555.
Nephrolithiasis/nephrocalcinosis. Identifiers: MedGen CN580796.

Allele frequency attached by ClinVar (database versions not stated): ExAC 0.00002; gnomAD exomes 0.00002; gnomAD 0.00005; TOPMed 0.00005; ESP Exome Variant Server 0.00009.
gnomAD v4.1: 34 of 1,200,429 alleles (0.0028%); highest among the groups gnomAD compares: Non-Finnish European, 0.0032%; no homozygotes.

Submissions (6):

Women's Health and Genetics/Laboratory Corporation of America, LabCorp
Classification: Likely benign. Last evaluated: 2025-07-28. Review status: criteria provided, single submitter. Criteria: LabCorp Variant Classification Summary - May 2015. Collection method: clinical testing. Allele origin: germline.
Comment: Variant summary: OCRL c.2563G>A (p.Val855Ile) results in a conservative amino acid change in the encoded protein sequence. Algorithms developed to predict the effect of missense changes on protein structure and function are either unavailable or do not agree on the potential impact of this missense change. The variant allele was found at a frequency of 2.8e-05 in 1200429 control chromosomes including 10 hemizygotes (gnomAD database v4). This frequency is not significantly higher than estimated for a pathogenic variant in OCRL causing Dent Disease (2.8e-05 vs 0.00043). To our knowledge, no occurrence of c.2563G>A in individuals affected with Dent Disease and no experimental evidence demonstrating its impact on protein function have been reported. ClinVar contains an entry for this variant (Variation ID: 759843). Based on the evidence outlined above, the variant was classified as likely benign.

Labcorp Genetics (formerly Invitae), Labcorp
Classification: Likely benign for Lowe syndrome. Last evaluated: 2025-06-12. Review status: criteria provided, single submitter. Criteria: Invitae Variant Classification Sherloc (09022015). Collection method: clinical testing. Allele origin: germline.

Fulgent Genetics
Classification: Likely benign for Dent disease type 2; Lowe syndrome. Last evaluated: 2021-11-03. Review status: criteria provided, single submitter. Criteria: ACMG Guidelines, 2015. Collection method: clinical testing. Allele origin: unknown.

Ambry Genetics
Classification: Uncertain significance for Nephrolithiasis/nephrocalcinosis. Last evaluated: 2016-10-11. Review status: criteria provided, single submitter. Criteria: Ambry Variant Classification Scheme 2023. Collection method: clinical testing. Allele origin: germline.
Comment: The p.V855I variant (also known as c.2563G>A), located in coding exon 23 of the OCRL gene, results from a G to A substitution at nucleotide position 2563. The valine at codon 855 is replaced by isoleucine, an amino acid with highly similar properties. This variant was previously reported in the SNPDatabase as rs376280495. Based on data from the NHLBI Exome Sequencing Project (ESP), the A allele was absent in 2443 total male alleles studied. This amino acid position is not well conserved in available vertebrate species. In addition, this alteration is predicted to be tolerated by in silico analysis. Based on the majority of available evidence to date, the clinical significance of this variant remains unclear.

Clinical Genetics DNA and cytogenetics Diagnostics Lab, Erasmus MC, Erasmus Medical Center
Classification: Likely benign. Review status: no assertion criteria provided. Collection method: clinical testing. Allele origin: germline. Affected: yes. Study: VKGL Data-share Consensus. Not counted in ClinVar's aggregate classification.

Laboratory of Diagnostic Genome Analysis, Leiden University Medical Center (LUMC)
Classification: Likely benign. Review status: no assertion criteria provided. Collection method: clinical testing. Allele origin: germline. Affected: yes. Study: VKGL Data-share Consensus. Not counted in ClinVar's aggregate classification.

NM_000276.4(OCRL):c.2563G>A (p.Val855Ile)

Gene: OCRL (OCRL inositol polyphosphate-5-phosphatase; plus strand). Cytogenetic location: Xq26.1.
Variant type: single nucleotide variant.
Coding change: c.2563G>A on transcript NM_000276.4 (MANE Select); coding-DNA position 2563, G replaced by A.
Protein change: p.Val855Ile; replaces valine 855 with isoleucine.
Molecular consequence: missense variant.
Genome position (GRCh38, 1-based): chrX:129,589,938, G>A. VCF-style: chrX-129589938-G-A. GRCh37 (hg19) VCF-style: chrX-128723915-G-A.
Other names: c.2566G>A, p.Val856Ile (NM_001318784.2); c.2539G>A, p.Val847Ile (NM_001587.4); short protein forms V855I, V847I, V856I.
Identifiers: ClinVar variation 759843 (VCV000759843.16), dbSNP rs376280495, ClinGen allele CA10512387.